The following is an entry in ClinVar:

ClinVar aggregate classification (germline): Uncertain significance (1 of 4 stars; one submission).

Allele frequency attached by ClinVar (database versions not stated): gnomAD exomes below 0.00001.
gnomAD v4.1: 3 of 1,536,032 alleles (0.0002%); highest among the groups gnomAD compares: South Asian, 0.0012%; no homozygotes.

Submission:

Labcorp Genetics (formerly Invitae), Labcorp
Classification: Uncertain significance. Last evaluated: 2022-10-24. Review status: criteria provided, single submitter. Criteria: Invitae Variant Classification Sherloc (09022015). Collection method: clinical testing. Allele origin: germline.
Comment: This sequence change replaces leucine, which is neutral and non-polar, with phenylalanine, which is neutral and non-polar, at codon 990 of the PDZD7 protein (p.Leu990Phe). This variant is not present in population databases (gnomAD no frequency). In summary, the available evidence is currently insufficient to determine the role of this variant in disease. Therefore, it has been classified as a Variant of Uncertain Significance. Algorithms developed to predict the effect of missense changes on protein structure and function are either unavailable or do not agree on the potential impact of this missense change (SIFT: "Deleterious"; PolyPhen-2: "Not Available"; Align-GVGD: "Class C0"). This variant has not been reported in the literature in individuals affected with PDZD7-related conditions.

NM_001195263.2(PDZD7):c.2968C>T (p.Leu990Phe)

Gene: PDZD7 (PDZ domain containing 7; minus strand). Cytogenetic location: 10q24.31.
Variant type: single nucleotide variant.
Coding change: c.2968C>T on transcript NM_001195263.2 (MANE Select); coding-DNA position 2968, C replaced by T.
Protein change: p.Leu990Phe; replaces leucine 990 with phenylalanine.
Molecular consequence: missense variant.
Genome position (GRCh38, 1-based): chr10:101,008,601, G>A on the plus strand (C>T on the coding strand, the complement: PDZD7 is on the minus strand). VCF-style: chr10-101008601-G-A. GRCh37 (hg19) VCF-style: chr10-102768358-G-A.
Other names: short protein forms L990F.
Identifiers: ClinVar variation 2071642 (VCV002071642.4), dbSNP rs1188645096, ClinGen allele CA378222970.